The following is an entry in ClinVar:

ClinVar aggregate classification (germline): Conflicting classifications of pathogenicity. Review status: criteria provided, conflicting classifications (1 of 4 stars). 2 submissions from 2 submitters: Uncertain significance (1); Likely benign (1). Last evaluated 2025-04-13.

Conditions:
Inborn genetic diseases. Identifiers: MedGen C0950123, MeSH D030342.

Allele frequency attached by ClinVar (database versions not stated): gnomAD 0.00001.
gnomAD v4.1: 22 of 1,613,900 alleles (0.0014%); highest among the groups gnomAD compares: Middle Eastern, 0.033%; no homozygotes.

Submissions (2):

Ambry Genetics
Classification: Likely benign for Inborn genetic diseases. Last evaluated: 2025-04-13. Review status: criteria provided, single submitter. Criteria: Ambry Variant Classification Scheme 2023. Collection method: clinical testing. Allele origin: germline.

GeneDx
Classification: Uncertain significance. Last evaluated: 2022-03-23. Review status: criteria provided, single submitter. Criteria: GeneDx Variant Classification Process June 2021. Collection method: clinical testing. Allele origin: germline. Affected: yes.
Comment: In silico analysis supports that this missense variant does not alter protein structure/function; Has not been previously published as pathogenic or benign to our knowledge

NM_002609.4(PDGFRB):c.869C>T (p.Thr290Ile)

Gene: PDGFRB (platelet derived growth factor receptor beta; minus strand). Cytogenetic location: 5q32.
Variant type: single nucleotide variant.
Coding change: c.869C>T on transcript NM_002609.4 (MANE Select); coding-DNA position 869, C replaced by T.
Protein change: p.Thr290Ile; replaces threonine 290 with isoleucine.
Molecular consequence: missense variant.
Genome position (GRCh38, 1-based): chr5:150,133,651, G>A on the plus strand (C>T on the coding strand, the complement: PDGFRB is on the minus strand). VCF-style: chr5-150133651-G-A. GRCh37 (hg19) VCF-style: chr5-149513214-G-A.
Other names: c.677C>T, p.Thr226Ile (NM_001355016.2); c.386C>T, p.Thr129Ile (NM_001355017.2); short protein forms T129I, T226I, T290I.
Identifiers: ClinVar variation 1707003 (VCV001707003.3), dbSNP rs147707126, ClinGen allele CA3508171.